The following is an entry in ClinVar:

ClinVar aggregate classification (germline): Uncertain significance. Review status: criteria provided, multiple submitters, no conflicts (2 of 4 stars). 2 submissions from 2 submitters: Uncertain significance (2). Last evaluated 2024-10-30.

gnomAD v4.1: 75 of 1,614,054 alleles (0.0046%); highest among the groups gnomAD compares: Admixed American, 0.027%; no homozygotes.

Submissions (2):

Labcorp Genetics (formerly Invitae), Labcorp
Classification: Uncertain significance. Last evaluated: 2024-10-30. Review status: criteria provided, single submitter. Criteria: Invitae Variant Classification Sherloc (09022015). Collection method: clinical testing. Allele origin: germline.
Comment: This sequence change replaces arginine, which is basic and polar, with tryptophan, which is neutral and slightly polar, at codon 231 of the SPTB protein (p.Arg231Trp). This variant is present in population databases (rs138253722, gnomAD 0.04%). This variant has not been reported in the literature in individuals affected with SPTB-related conditions. An algorithm developed to predict the effect of missense changes on protein structure and function (PolyPhen-2) suggests that this variant is likely to be disruptive. In summary, the available evidence is currently insufficient to determine the role of this variant in disease. Therefore, it has been classified as a Variant of Uncertain Significance.

Revvity Omics, Revvity
Classification: Uncertain significance. Last evaluated: 2023-12-14. Review status: criteria provided, single submitter. Criteria: ACMG Guidelines, 2015. Collection method: clinical testing. Allele origin: germline.

NM_001355436.2(SPTB):c.691C>T (p.Arg231Trp)

Gene: SPTB (spectrin beta, erythrocytic; minus strand). Cytogenetic location: 14q23.3.
Variant type: single nucleotide variant.
Coding change: c.691C>T on transcript NM_001355436.2 (MANE Select); coding-DNA position 691, C replaced by T.
Protein change: p.Arg231Trp; replaces arginine 231 with tryptophan.
Molecular consequence: missense variant.
Genome position (GRCh38, 1-based): chr14:64,801,357, G>A on the plus strand (C>T on the coding strand, the complement: SPTB is on the minus strand). VCF-style: chr14-64801357-G-A. GRCh37 (hg19) VCF-style: chr14-65268075-G-A.
Other names: c.691C>T, p.Arg231Trp (NM_001024858.4, NM_001355437.2); short protein forms R231W.
Identifiers: ClinVar variation 3623935 (VCV003623935.3).